The following is an entry in ClinVar:

ClinVar aggregate classification (germline): Uncertain significance (1 of 4 stars; one submission).

gnomAD v4.1: 118 of 1,613,902 alleles (0.0073%); highest among the groups gnomAD compares: Non-Finnish European, 0.0097%; no homozygotes.

Submission:

Labcorp Genetics (formerly Invitae), Labcorp
Classification: Uncertain significance. Last evaluated: 2024-05-06. Review status: criteria provided, single submitter. Criteria: Invitae Variant Classification Sherloc (09022015). Collection method: clinical testing. Allele origin: germline.
Comment: This sequence change affects codon 1384 of the NYNRIN mRNA. It is a 'silent' change, meaning that it does not change the encoded amino acid sequence of the NYNRIN protein. This variant is present in population databases (rs369735094, gnomAD 0.01%). This variant has not been reported in the literature in individuals affected with NYNRIN-related conditions. In summary, the available evidence is currently insufficient to determine the role of this variant in disease. Therefore, it has been classified as a Variant of Uncertain Significance.

NM_025081.3(NYNRIN):c.4152C>A (p.Leu1384=)

Gene: NYNRIN (NYN domain and retroviral integrase containing; plus strand). Cytogenetic location: 14q12.
Variant type: single nucleotide variant.
Coding change: c.4152C>A on transcript NM_025081.3 (MANE Select); coding-DNA position 4152, C replaced by A.
Protein change: p.Leu1384=; no amino-acid change (leucine 1384 retained).
Molecular consequence: synonymous variant.
Genome position (GRCh38, 1-based): chr14:24,415,901, C>A. VCF-style: chr14-24415901-C-A. GRCh37 (hg19) VCF-style: chr14-24885107-C-A.
Identifiers: ClinVar variation 3711893 (VCV003711893.2).